The following is an entry in ClinVar:

ClinVar aggregate classification (germline): Uncertain significance (1 of 4 stars; one submission).

Submission:

CeGaT Center for Human Genetics Tuebingen
Classification: Uncertain significance. Last evaluated: 2025-03-01. Review status: criteria provided, single submitter. Criteria: CeGaT Center For Human Genetics Tuebingen Variant Classification Criteria Version 2. Collection method: clinical testing. Allele origin: germline. Affected: yes. Observed: 1 variant allele.
Comment: CLCN6: PM2

NM_001286.5(CLCN6):c.2277_2284del (p.Cys759_Glu762delinsTer)

Gene: CLCN6 (Cl-/H+ antiporter 6; plus strand). Cytogenetic location: 1p36.22.
Variant type: Deletion.
Coding change: c.2277_2284del on transcript NM_001286.5 (MANE Select); coding-DNA positions 2277 to 2284, 8 bases deleted (TTACTCTG; older notation c.2277_2284delTTACTCTG).
Protein change: p.Cys759_Glu762delinsTer.
Molecular consequence: nonsense. On other transcripts: non-coding transcript variant (1).
Genome position (GRCh38, 1-based): chr1:11,837,481-11,837,488, TTACTCTG deleted; deleting any 8 consecutive bases within chr1:11,837,479-11,837,488 gives the same sequence; the c. name uses the placement nearest the transcript's 3' end. VCF-style (leftmost placement, unchanged base first): chr1-11837478-TTGTTACTC-T. GRCh37 (hg19) VCF-style: chr1-11897535-TTGTTACTC-T.
Other names: c.2211_2218del, p.Cys737_Glu740delinsTer (NM_001256959.2).
Identifiers: ClinVar variation 3778599 (VCV003778599.7).